The following is an entry in ClinVar:

ClinVar aggregate classification (germline): Uncertain significance (1 of 4 stars; one submission).

Submission:

GeneDx
Classification: Uncertain significance. Last evaluated: 2026-02-01. Review status: criteria provided, single submitter. Criteria: GeneDx Variant Classification Process June 2021. Collection method: clinical testing. Allele origin: germline.
Comment: Not observed at significant frequency in large population cohorts (gnomAD); In silico analysis supports that this missense variant has a deleterious effect on protein structure/function; Has not been previously published as pathogenic or benign to our knowledge

NM_001281740.3(FHOD3):c.4084A>G (p.Arg1362Gly)

Gene: FHOD3 (formin homology 2 domain containing 3; plus strand). Cytogenetic location: 18q12.2.
Variant type: single nucleotide variant.
Coding change: c.4084A>G on transcript NM_001281740.3 (MANE Select); coding-DNA position 4084, A replaced by G.
Protein change: p.Arg1362Gly; replaces arginine 1362 with glycine.
Molecular consequence: missense variant.
Genome position (GRCh38, 1-based): chr18:36,746,987, A>G. VCF-style: chr18-36746987-A-G. GRCh37 (hg19) VCF-style: chr18-34326950-A-G.
Other names: c.3508A>G, p.Arg1170Gly (NM_001281739.3); c.3559A>G, p.Arg1187Gly (NM_025135.5); short protein forms R1170G, R1187G, R1362G.
Identifiers: ClinVar variation 4975837 (VCV004975837.1).